The following is an entry in ClinVar:

ClinVar aggregate classification (germline): Uncertain significance. Review status: criteria provided, multiple submitters, no conflicts (2 of 4 stars). 2 submissions from 2 submitters: Uncertain significance (2). Last evaluated 2025-09-16.

Allele frequency attached by ClinVar (database versions not stated): ESP Exome Variant Server 0.00024; 1000 Genomes Project 30x 0.00047; 1000 Genomes Project 0.00060.
gnomAD v4.1: 83 of 1,610,296 alleles (0.0052%); highest among the groups gnomAD compares: African/African-American, 0.095%; no homozygotes.

Submissions (2):

Labcorp Genetics (formerly Invitae), Labcorp
Classification: Uncertain significance. Last evaluated: 2025-09-16. Review status: criteria provided, single submitter. Criteria: Invitae Variant Classification Sherloc (09022015). Collection method: clinical testing. Allele origin: germline.
Comment: This sequence change replaces proline, which is neutral and non-polar, with glutamine, which is neutral and polar, at codon 420 of the FGFRL1 protein (p.Pro420Gln). This variant is present in population databases (rs375985073, gnomAD 0.09%), and has an allele count higher than expected for a pathogenic variant. This variant has not been reported in the literature in individuals affected with FGFRL1-related conditions. ClinVar contains an entry for this variant (Variation ID: 2417276). An algorithm developed to predict the effect of missense changes on protein structure and function (PolyPhen-2) suggests that this variant is likely to be tolerated. In summary, the available evidence is currently insufficient to determine the role of this variant in disease. Therefore, it has been classified as a Variant of Uncertain Significance.

Ambry Genetics
Classification: Uncertain significance. Last evaluated: 2024-09-27. Review status: criteria provided, single submitter. Criteria: Ambry Variant Classification Scheme 2023. Collection method: clinical testing. Allele origin: germline.

NM_001004356.3(FGFRL1):c.1259C>A (p.Pro420Gln)

Gene: FGFRL1 (fibroblast growth factor receptor like 1; plus strand). Cytogenetic location: 4p16.3.
Variant type: single nucleotide variant.
Coding change: c.1259C>A on transcript NM_001004356.3 (MANE Select); coding-DNA position 1259, C replaced by A.
Protein change: p.Pro420Gln; replaces proline 420 with glutamine.
Molecular consequence: missense variant.
Genome position (GRCh38, 1-based): chr4:1,025,091, C>A. VCF-style: chr4-1025091-C-A. GRCh37 (hg19) VCF-style: chr4-1018879-C-A.
Other names: c.1259C>A, p.Pro420Gln (NM_001004358.1, NM_001370296.1, NM_021923.3); c.1259C>A (NM_001004356.2); short protein forms P420Q.
Identifiers: ClinVar variation 2417276 (VCV002417276.7), dbSNP rs375985073, ClinGen allele CA2803047.